The following is an entry in ClinVar:

ClinVar aggregate classification (germline): Benign/Likely benign. Review status: criteria provided, multiple submitters, no conflicts (2 of 4 stars). 10 submissions from 10 submitters: Benign (4); Likely benign (3). 3 of the submissions do not count toward it. Last evaluated 2026-07-01.

Conditions:
Microcephaly 27, primary, autosomal dominant. Identifiers: MedGen C5543051, MONDO:0030929, OMIM 619180.
Lipodystrophy, partial, acquired, susceptibility to (APLD). Also called: APLD, SUSCEPTIBILITY TO. Identifiers: MedGen C3887501, MONDO:0100476, OMIM 608709.
Progressive myoclonic epilepsy type 9. Identifiers: Orphanet 457265, MedGen C4225289, MONDO:0014685, OMIM 616540.
Acquired partial lipodystrophy. Also called: BARRAQUER-SIMONS SYNDROME; LIPODYSTROPHY, PARTIAL, PROGRESSIVE; Lipodystrophy cephalothoracic type. Identifiers: Orphanet 79087, MedGen C0220989, MONDO:0012104.

Allele frequency attached by ClinVar (database versions not stated): 1000 Genomes Project 0.00479; ExAC 0.01177; ESP Exome Variant Server 0.01057; gnomAD exomes 0.01111 and 0.01348; gnomAD 0.00981 and 0.01005; 1000 Genomes Project 30x 0.00500; TOPMed 0.00932.

Submissions (10):

CeGaT Center for Human Genetics Tuebingen
Classification: Benign. Last evaluated: 2026-07-01. Review status: criteria provided, single submitter. Criteria: CeGaT Center For Human Genetics Tuebingen Variant Classification Criteria Version 2. Collection method: clinical testing. Allele origin: germline. Affected: yes. Observed: 47 variant alleles.
Comment: LMNB2: BP4, BS1, BS2

Labcorp Genetics (formerly Invitae), Labcorp
Classification: Benign for Progressive myoclonic epilepsy type 9; Lipodystrophy, partial, acquired, susceptibility to. Last evaluated: 2026-02-02. Review status: criteria provided, single submitter. Criteria: Invitae Variant Classification Sherloc (09022015). Collection method: clinical testing. Allele origin: germline.

Athena Diagnostics
Classification: Benign. Last evaluated: 2024-10-29. Review status: criteria provided, single submitter. Criteria: Athena Diagnostics Criteria. Collection method: clinical testing. Allele origin: unknown.

Mendelics
Classification: Benign for Progressive myoclonic epilepsy type 9. Last evaluated: 2019-05-28. Review status: criteria provided, single submitter. Criteria: Mendelics Assertion Criteria 2017. Collection method: clinical testing. Allele origin: unknown.

Breakthrough Genomics
Classification: Likely benign. Review status: criteria provided, single submitter. Criteria: ACMG Guidelines, 2015. Collection method: not provided. Allele origin: germline. Inheritance: Autosomal recessive inheritance. Affected: yes.

Broad Center for Mendelian Genomics, Broad Institute of MIT and Harvard
Classification: Likely benign for Lipodystrophy, partial, acquired, susceptibility to. Review status: criteria provided, single submitter. Criteria: ACMG Guidelines, 2015. Collection method: research. Allele origin: germline. Affected: yes.
Comment: The heterozygous p.Arg235Gln variant in LMNB2 has been identified in 2 individuals with acquired partial lipodystrophy (PMID: 16826530), but has also been identified in >1% of European (non-Finnish) chromosomes and 27 homozygotes by ExAC. Acquired partial lipodistrophy is not known to be a Mendelian genetic disease. In summary, although additional studies are required to fully establish its clinical significance, this variant meets criteria to be classified as likely benign for acquired partial lipodystrophy.

Center for Genomics, Ann and Robert H. Lurie Children's Hospital of Chicago
Classification: Likely benign for Microcephaly 27, primary, autosomal dominant; Progressive myoclonic epilepsy type 9; Lipodystrophy, partial, acquired, susceptibility to. Review status: criteria provided, single submitter. Criteria: ACMG Guidelines, 2015. Collection method: clinical testing. Allele origin: germline.
Comment: This variant has been reported in the literature in at least 2 individuals with acquired partial lipodystrophy as well as 1 individual with familial partial lipodystrophy (Hegele 2006 PMID:16826530, Akinci 2017 PMID:28641778). This variant is present in the Genome Aggregation Database (Highest reported MAF 1.5% (160/10626) including 3 homozygotes. This variant is present in ClinVar, with several labs classifying this variant as Likely Benign or Benign (Variation ID:14474). Evolutionary conservation and computational predictive tools suggest that this variant may not impact the protein. In summary, data on this variant suggests that this variant does not cause disease but requires further evidence. Therefore, this variant is classified as likely benign.

OMIM
Classification: risk factor for LIPODYSTROPHY, PARTIAL, ACQUIRED, SUSCEPTIBILITY TO. Last evaluated: 2006-08-01. Review status: no assertion criteria provided. Collection method: literature only. Allele origin: germline. Not counted in ClinVar's aggregate classification.

Epithelial Biology;  Institute of Medical Biology, Singapore
No classification provided. Review status: no classification provided. Collection method: not provided. Allele origin: not provided. Not counted in ClinVar's aggregate classification.

Genetic Services Laboratory, University of Chicago
Classification: Likely benign for AllHighlyPenetrant. Review status: no assertion criteria provided. Collection method: clinical testing. Allele origin: germline. Not counted in ClinVar's aggregate classification.
Comment: Likely benign based on allele frequency in 1000 Genomes Project or ESP global frequency and its presence in a patient with a rare or unrelated disease phenotype. NOT Sanger confirmed.

Literature cited by the submitters: PubMed 28641778 (cited by Athena Diagnostics); PubMed 32355288 (cited by Athena Diagnostics); PubMed 32766464 (cited by Athena Diagnostics); PubMed 16826530 (cited by Athena Diagnostics and OMIM); PubMed 22995991 (cited by Athena Diagnostics); PubMed 27535533 (cited by Athena Diagnostics).

NM_032737.4(LMNB2):c.704G>A (p.Arg235Gln)

Gene: LMNB2 (lamin B2; minus strand). Cytogenetic location: 19p13.3.
Variant type: single nucleotide variant.
Coding change: c.704G>A on transcript NM_032737.4 (MANE Select); coding-DNA position 704, G replaced by A.
Protein change: p.Arg235Gln; replaces arginine 235 with glutamine.
Molecular consequence: missense variant.
Genome position (GRCh38, 1-based): chr19:2,435,152, C>T on the plus strand (G>A on the coding strand, the complement: LMNB2 is on the minus strand). VCF-style: chr19-2435152-C-T. GRCh37 (hg19) VCF-style: chr19-2435150-C-T.
Other names: R215Q; short protein forms R235Q.
Identifiers: ClinVar variation 14474 (VCV000014474.53), dbSNP rs121912497, ClinGen allele CA123980.